The following is an entry in ClinVar:

NM_030665.4(RAI1):c.5204C>T (p.Pro1735Leu)

Gene: RAI1 (retinoic acid induced 1; plus strand). Cytogenetic location: 17p11.2.
Variant type: single nucleotide variant.
Coding change: c.5204C>T on transcript NM_030665.4 (MANE Select); coding-DNA position 5204, C replaced by T.
Protein change: p.Pro1735Leu; replaces proline 1735 with leucine.
Molecular consequence: missense variant.
Genome position (GRCh38, 1-based): chr17:17,798,152, C>T. VCF-style: chr17-17798152-C-T. GRCh37 (hg19) VCF-style: chr17-17701466-C-T.
Other names: short protein forms P1735L.
Identifiers: ClinVar variation 212011 (VCV000212011.35), dbSNP rs376429075, ClinGen allele CA206845.

ClinVar aggregate classification (germline): Conflicting classifications of pathogenicity. Review status: criteria provided, conflicting classifications (1 of 4 stars). 5 submissions from 5 submitters: Uncertain significance (2); Likely benign (3). Last evaluated 2025-08-11.

Conditions:
RAI1-related disorder. Also called: RAI1-related condition.
Inborn genetic diseases. Identifiers: MedGen C0950123, MeSH D030342.

Allele frequency attached by ClinVar (database versions not stated): gnomAD exomes 0.00003 and 0.00004; gnomAD 0.00004; TOPMed 0.00005; ExAC 0.00008; ESP Exome Variant Server 0.00008.
gnomAD v4.1: 59 of 1,613,390 alleles (0.0037%); highest among the groups gnomAD compares: South Asian, 0.021%; no homozygotes.

Submissions (5):

Labcorp Genetics (formerly Invitae), Labcorp
Classification: Likely benign. Last evaluated: 2025-08-11. Review status: criteria provided, single submitter. Criteria: Invitae Variant Classification Sherloc (09022015). Collection method: clinical testing. Allele origin: germline.

Ambry Genetics
Classification: Likely benign for Inborn genetic diseases. Last evaluated: 2025-04-19. Review status: criteria provided, single submitter. Criteria: Ambry Variant Classification Scheme 2023. Collection method: clinical testing. Allele origin: germline.

PreventionGenetics, part of Exact Sciences
Classification: Uncertain significance for RAI1-related condition. Last evaluated: 2024-12-30. Review status: criteria provided, single submitter. Criteria: ACMG Guidelines, 2015. Collection method: clinical testing. Allele origin: germline.
Comment: The RAI1 c.5204C>T variant is predicted to result in the amino acid substitution p.Pro1735Leu. To our knowledge, this variant has not been reported in the literature. This variant is reported in 0.020% of alleles in individuals of African descent in gnomAD. At this time, the clinical significance of this variant is uncertain due to the absence of conclusive functional and genetic evidence.

CeGaT Center for Human Genetics Tuebingen
Classification: Likely benign. Last evaluated: 2023-08-01. Review status: criteria provided, single submitter. Criteria: CeGaT Center For Human Genetics Tuebingen Variant Classification Criteria Version 2. Collection method: clinical testing. Allele origin: germline. Affected: yes. Observed: 1 variant allele.
Comment: RAI1: BP4

Genetic Services Laboratory, University of Chicago
Classification: Uncertain significance. Last evaluated: 2014-09-29. Review status: criteria provided, single submitter. Criteria: ACMG Guidelines, 2015. Collection method: clinical testing. Allele origin: germline.